The following is an entry in ClinVar:

ClinVar aggregate classification (germline): Benign/Likely benign. Review status: criteria provided, multiple submitters, no conflicts (2 of 4 stars). 3 submissions from 3 submitters: Benign (2); Likely benign (1). Last evaluated 2025-10-08.

Conditions:
SLFN14-related disorder. Also called: SLFN14-related condition.

Submissions (3):

Mayo Clinic Laboratories, Mayo Clinic
Classification: Likely benign. Last evaluated: 2025-10-08. Review status: criteria provided, single submitter. Criteria: ACMG Guidelines, 2015. Collection method: clinical testing. Allele origin: germline. Observed: 2 variant alleles.
Comment: BS1_supporting, BS2, BP4, BP7

PreventionGenetics, part of Exact Sciences
Classification: Benign for SLFN14-related condition. Last evaluated: 2024-11-20. Review status: criteria provided, single submitter. Criteria: ACMG Guidelines, 2015. Collection method: clinical testing. Allele origin: germline.
Comment: This variant is classified as benign based on ACMG/AMP sequence variant interpretation guidelines (Richards et al. 2015 PMID: 25741868, with internal and published modifications).

Blueprint Genetics
Classification: Benign. Last evaluated: 2024-10-31. Review status: criteria provided, single submitter. Criteria: ACMG Guidelines, 2015. Collection method: clinical testing. Allele origin: germline.

NM_001129820.2(SLFN14):c.33G>A (p.Pro11=)

Gene: SLFN14 (schlafen family member 14; minus strand). Cytogenetic location: 17q12.
Variant type: single nucleotide variant.
Coding change: c.33G>A on transcript NM_001129820.2 (MANE Select); coding-DNA position 33, G replaced by A.
Protein change: p.Pro11=; no amino-acid change (proline 11 retained).
Molecular consequence: synonymous variant.
Genome position (GRCh38, 1-based): chr17:35,558,030, C>T on the plus strand (G>A on the coding strand, the complement: SLFN14 is on the minus strand). VCF-style: chr17-35558030-C-T. GRCh37 (hg19) VCF-style: chr17-33885049-C-T.
Other names: p.Pro11=; c.33G>A (NM_001129820.1).
Identifiers: ClinVar variation 4684200 (VCV004684200.3).